The following is an entry in ClinVar:

ClinVar aggregate classification (germline): Conflicting classifications of pathogenicity. Review status: criteria provided, conflicting classifications (1 of 4 stars). 3 submissions from 3 submitters: Uncertain significance (1); Likely benign (2). Last evaluated 2025-08-17.

Conditions:
MYH14-related disorder. Also called: MYH14-related condition.
Inborn genetic diseases. Identifiers: MedGen C0950123, MeSH D030342.

gnomAD v4.1: 77 of 1,602,770 alleles (0.0048%); highest among the groups gnomAD compares: African/African-American, 0.069%; no homozygotes.

Submissions (3):

Labcorp Genetics (formerly Invitae), Labcorp
Classification: Likely benign. Last evaluated: 2025-08-17. Review status: criteria provided, single submitter. Criteria: Invitae Variant Classification Sherloc (09022015). Collection method: clinical testing. Allele origin: germline.

PreventionGenetics, part of Exact Sciences
Classification: Likely benign for MYH14-related condition. Last evaluated: 2025-04-12. Review status: criteria provided, single submitter. Criteria: ACMG Guidelines, 2015. Collection method: clinical testing. Allele origin: germline.
Comment: This variant is classified as likely benign based on ACMG/AMP sequence variant interpretation guidelines (Richards et al. 2015 PMID: 25741868, with internal and published modifications).

Ambry Genetics
Classification: Uncertain significance for Inborn genetic diseases. Last evaluated: 2024-10-11. Review status: criteria provided, single submitter. Criteria: Ambry Variant Classification Scheme 2023. Collection method: clinical testing. Allele origin: germline.

NM_001145809.2(MYH14):c.4670G>A (p.Arg1557His)

Gene: MYH14 (myosin heavy chain 14; plus strand). Cytogenetic location: 19q13.33.
Variant type: single nucleotide variant.
Coding change: c.4670G>A on transcript NM_001145809.2 (MANE Select); coding-DNA position 4670, G replaced by A.
Protein change: p.Arg1557His; replaces arginine 1557 with histidine.
Molecular consequence: missense variant.
Genome position (GRCh38, 1-based): chr19:50,286,612, G>A. VCF-style: chr19-50286612-G-A. GRCh37 (hg19) VCF-style: chr19-50789869-G-A.
Other names: c.4670G>A (NM_001145809.1); c.4571G>A, p.Arg1524His (NM_001077186.2); c.4547G>A, p.Arg1516His (NM_024729.4); short protein forms R1516H, R1557H, R1524H.
Identifiers: ClinVar variation 3400708 (VCV003400708.4).